The following is an entry in ClinVar:

NM_001372044.2(SHANK3):c.506G>A (p.Arg169Gln)

Gene: SHANK3 (SH3 and multiple ankyrin repeat domains 3; plus strand). Cytogenetic location: 22q13.33.
Variant type: single nucleotide variant.
Coding change: c.506G>A on transcript NM_001372044.2 (MANE Select); coding-DNA position 506, G replaced by A.
Protein change: p.Arg169Gln; replaces arginine 169 with glutamine.
Molecular consequence: missense variant.
Genome position (GRCh38, 1-based): chr22:50,676,635, G>A. VCF-style: chr22-50676635-G-A. GRCh37 (hg19) VCF-style: chr22-51115063-G-A.
Other names: c.281G>A (NM_033517.1); short protein forms R169Q.
Identifiers: ClinVar variation 1310342 (VCV001310342.2), dbSNP rs2082921353, ClinGen allele CA515251921.
Genomic context (GRCh38, chr22:50,676,635, plus strand): 5'-TCAGCCGGGGTGGGGGCATTTTCTCTACCTTTTCTTTATCTGAGCAGTTTCGATACAAGC[G>A]GCGAGTTTATGCCCAGAACCTCATCGATGATAAGCAGTTTGCAAAGCTTCACACAAAGGT-3'
Protein context (NP_001358973.1, residues 159-179): PLPYLEFRYK[Arg169Gln]RVYAQNLIDD

ClinVar aggregate classification (germline): Uncertain significance (1 of 4 stars; one submission).

Submission:

GeneDx
Classification: Uncertain significance. Last evaluated: 2019-11-14. Review status: criteria provided, single submitter. Criteria: GeneDx Variant Classification Process June 2021. Collection method: clinical testing. Allele origin: germline. Affected: yes.
Comment: Not observed in large population cohorts (Lek et al., 2016); In silico analysis, which includes protein predictors and evolutionary conservation, supports that this variant does not alter protein structure/function; Has not been previously published as pathogenic or benign to our knowledge